The following is an entry in ClinVar:

NM_000059.4(BRCA2):c.7363dup (p.His2455fs)

Gene: BRCA2 (BRCA2 DNA repair associated; plus strand). Cytogenetic location: 13q13.1.
Variant type: Duplication.
Coding change: c.7363dup on transcript NM_000059.4 (MANE Select); coding-DNA position 7363, one base duplicated (C; older notation c.7363dupC).
Protein change: p.His2455fs; shifts the reading frame from histidine 2455.
Molecular consequence: frameshift variant.
Genome position (GRCh38, 1-based): chr13:32,355,216, C duplicated. VCF-style (leftmost placement, unchanged base first): chr13-32355215-T-TC. GRCh37 (hg19) VCF-style: chr13-32929352-T-TC.
Other names: c.7267dup, p.His2423Profs (NM_001406719.1); c.7363dup, p.His2455Profs (NM_001406720.1); c.2431dup, p.His811Profs (NM_001406721.1); c.946dup, p.His316Profs (NM_001406722.1); c.7363dupC (NM_000059.3); short protein forms H2455fs.
Identifiers: ClinVar variation 2123111 (VCV002123111.6), dbSNP rs2548540626, ClinGen allele CA2580087438.
Genomic context (GRCh38, chr13:32,355,215, plus strand): 5'-GCAAAACATTGATGGACATGGCTCTGATGATAGTAAAAATAAGATTAATGACAATGAGAT[T>TC]CATCAGTTTAACAAAAACAACTCCAATCAAGCAGTAGCTGTAACTTTCACAAAGTGTGAA-3'

ClinVar aggregate classification (germline): Pathogenic/Likely pathogenic. Review status: criteria provided, multiple submitters, no conflicts (2 of 4 stars). 3 submissions from 3 submitters: Pathogenic (2); Likely pathogenic (1). Last evaluated 2025-06-05.

Conditions:
Hereditary cancer-predisposing syndrome. Also called: Hereditary Cancer Syndrome; Tumor predisposition; Neoplastic Syndromes, Hereditary; Hereditary neoplastic syndrome. Identifiers: Orphanet 140162, MedGen C0027672, MeSH D009386, MONDO:0015356.
Hereditary breast ovarian cancer syndrome. Also called: Hereditary breast and ovarian cancer syndrome (HBOC); Hereditary breast and/or ovarian cancer syndrome; Hereditary breast and ovarian cancer; BRCA1- and BRCA2-Associated Hereditary Breast and Ovarian Cancer; Breast and ovarian cancer; Hereditary breast and ovarian cancer syndrome. Identifiers: Orphanet 145, MedGen C0677776, MeSH D061325, MONDO:0003582. Disease mechanism: loss of function.
Familial cancer of breast. Also called: BREAST CANCER, FAMILIAL; Hereditary breast cancer; hereditary breast carcinoma. Identifiers: Orphanet 227535, MedGen C0346153, MONDO:0016419, OMIM 114480. Disease mechanism: loss of function.

Submissions (3):

Ambry Genetics
Classification: Pathogenic for Hereditary cancer-predisposing syndrome. Last evaluated: 2025-06-05. Review status: criteria provided, single submitter. Criteria: Ambry Variant Classification Scheme 2023. Collection method: clinical testing. Allele origin: germline.
Comment: The c.7363dupC pathogenic mutation, located in coding exon 13 of the BRCA2 gene, results from a duplication of C at nucleotide position 7363, causing a translational frameshift with a predicted alternate stop codon (p.H2455Pfs*4). This variant is considered to be rare based on population cohorts in the Genome Aggregation Database (gnomAD). This alteration is expected to result in loss of function by premature protein truncation or nonsense-mediated mRNA decay. As such, this alteration is interpreted as a disease-causing mutation.

Baylor Genetics
Classification: Likely pathogenic for Familial cancer of breast. Last evaluated: 2023-12-11. Review status: criteria provided, single submitter. Criteria: ACMG Guidelines, 2015. Collection method: clinical testing. Allele origin: unknown.

Labcorp Genetics (formerly Invitae), Labcorp
Classification: Pathogenic for Hereditary breast ovarian cancer syndrome. Last evaluated: 2022-04-08. Review status: criteria provided, single submitter. Criteria: Invitae Variant Classification Sherloc (09022015). Collection method: clinical testing. Allele origin: germline.
Comment: This sequence change creates a premature translational stop signal (p.His2455Profs*4) in the BRCA2 gene. It is expected to result in an absent or disrupted protein product. Loss-of-function variants in BRCA2 are known to be pathogenic (PMID: 20104584). This variant is not present in population databases (gnomAD no frequency). This variant has not been reported in the literature in individuals affected with BRCA2-related conditions. For these reasons, this variant has been classified as Pathogenic.

Literature cited by the submitters: PubMed 20104584 (cited by Labcorp Genetics (formerly Invitae), Labcorp).